The following is an entry in ClinVar:

ClinVar aggregate classification (germline): Pathogenic. Review status: criteria provided, multiple submitters, no conflicts (2 of 4 stars). 4 submissions from 4 submitters: Pathogenic (3). 1 of the submissions does not count toward it. Last evaluated 2025-04-27.

Conditions:
Niemann-Pick disease, type C1. Also called: NIEMANN-PICK DISEASE, VARIANT TYPE C1; NEUROVISCERAL STORAGE DISEASE WITH VERTICAL SUPRANUCLEAR OPHTHALMOPLEGIA; NIEMANN-PICK DISEASE WITH CHOLESTEROL ESTERIFICATION BLOCK; NIEMANN-PICK DISEASE WITHOUT SPHINGOMYELINASE DEFICIENCY; NIEMANN-PICK DISEASE, CHRONIC NEURONOPATHIC FORM. Identifiers: Orphanet 646, MedGen C3179455, MONDO:0009757, OMIM 257220.

Allele frequency attached by ClinVar (database versions not stated): ExAC 0.00001; ESP Exome Variant Server 0.00008.
gnomAD v4.1: 5 of 1,613,900 alleles (0.00031%); highest among the groups gnomAD compares: South Asian, 0.0011%; no homozygotes.

Submissions (4):

Labcorp Genetics (formerly Invitae), Labcorp
Classification: Pathogenic for Niemann-Pick disease, type C1. Last evaluated: 2025-04-27. Review status: criteria provided, single submitter. Criteria: Invitae Variant Classification Sherloc (09022015). Collection method: clinical testing. Allele origin: germline.
Comment: This sequence change creates a premature translational stop signal (p.Arg116*) in the NPC1 gene. It is expected to result in an absent or disrupted protein product. Loss-of-function variants in NPC1 are known to be pathogenic (PMID: 9211850). This variant is present in population databases (rs144973225, gnomAD 0.003%). This premature translational stop signal has been observed in individual(s) with Niemann-Pick disease type C (PMID: 12408188, 27581084). ClinVar contains an entry for this variant (Variation ID: 872388). Algorithms developed to predict the effect of sequence changes on RNA splicing suggest that this variant may disrupt the consensus splice site. For these reasons, this variant has been classified as Pathogenic.

Natera, Inc.
Classification: Pathogenic for Niemann-Pick disease type C1. Last evaluated: 2024-03-06. Review status: criteria provided, single submitter. Criteria: Natera Variant Classification Schema (03/2026). Collection method: clinical testing. Allele origin: germline.
Comment: The c.346C>T variant in NPC1 is a nonsense variant predicted to introduce a stop codon at amino acid 116. This variant is expected to result in nonsense mediated decay, truncation, or a dysfunctional protein product. This variant is rare in the general population with a frequency below the threshold expected for the associated phenotype(s). This variant has been observed in one or more individuals affected with the associated recessive disease, as either homozygous or compound heterozygous with a second variant (PMID: 16098014, 15099022). Given the available evidence, this variant is classified as Pathogenic.

CeGaT Center for Human Genetics Tuebingen
Classification: Pathogenic. Last evaluated: 2020-01-01. Review status: criteria provided, single submitter. Criteria: CeGaT Center For Human Genetics Tuebingen Variant Classification Criteria Version 2. Collection method: clinical testing. Allele origin: germline. Affected: yes. Observed: 2 variant alleles.

Solve-RD Consortium
Classification: Likely pathogenic for Niemann-Pick disease, type C1. Last evaluated: 2022-06-01. Review status: no assertion criteria provided. Collection method: provider interpretation. Allele origin: inherited. Affected: yes. Not counted in ClinVar's aggregate classification.
Comment: Variant confirmed as disease-causing by referring clinical team

Variant identified during reanalysis of unsolved cases by the Solve-RD project. The Solve-RD project has received funding from the European Union’s Horizon 2020 research and innovation programme under grant agreement No 779257.

Literature cited by the submitters: PubMed 9211850 (cited by Labcorp Genetics (formerly Invitae), Labcorp); PubMed 12408188 (cited by Labcorp Genetics (formerly Invitae), Labcorp); PubMed 27581084 (cited by Labcorp Genetics (formerly Invitae), Labcorp); PubMed 16098014 (cited by Natera, Inc.); PubMed 15099022 (cited by Natera, Inc.); PubMed 39825153 (cited by Solve-RD Consortium).

NM_000271.5(NPC1):c.346C>T (p.Arg116Ter)

Gene: NPC1 (NPC intracellular cholesterol transporter 1; minus strand). Cytogenetic location: 18q11.2.
Variant type: single nucleotide variant.
Coding change: c.346C>T on transcript NM_000271.5 (MANE Select); coding-DNA position 346, C replaced by T.
Protein change: p.Arg116Ter; replaces arginine 116 with a stop codon.
Molecular consequence: nonsense.
Genome position (GRCh38, 1-based): chr18:23,568,940, G>A on the plus strand (C>T on the coding strand, the complement: NPC1 is on the minus strand). VCF-style: chr18-23568940-G-A. GRCh37 (hg19) VCF-style: chr18-21148904-G-A.
Other names: c.346C>T (NM_000271.4); short protein forms R116*.
Identifiers: ClinVar variation 872388 (VCV000872388.49), dbSNP rs144973225, ClinGen allele CA8913756.